The following is an entry in ClinVar:

ClinVar aggregate classification (germline): Conflicting classifications of pathogenicity. Review status: criteria provided, conflicting classifications (1 of 4 stars). 3 submissions from 3 submitters: Uncertain significance (2); Likely benign (1). Last evaluated 2025-06-17.

Conditions:
Carney-Stratakis syndrome. Also called: PARAGANGLIOMA AND GASTROINTESTINAL STROMAL TUMOR. Identifiers: Orphanet 97286, MedGen C1847319, MONDO:0011740, OMIM 606864.
Cowden syndrome 3 (CWS3). Identifiers: Orphanet 201, MedGen CN166604, MONDO:0014045.
Pheochromocytoma. Also called: MAX-Related Hereditary Paraganglioma-Pheochromocytoma Syndrome. Identifiers: Orphanet 29072, MedGen C0031511, MONDO:0008233, OMIM 171300, HP:0002666.
Paragangliomas with sensorineural hearing loss. Identifiers: MedGen C1868633.
Hereditary cancer-predisposing syndrome. Also called: Tumor predisposition; Hereditary Cancer Syndrome; Hereditary neoplastic syndrome; Neoplastic Syndromes, Hereditary. Identifiers: Orphanet 140162, MedGen C0027672, MeSH D009386, MONDO:0015356.
Hereditary pheochromocytoma and paraganglioma. Also called: Hereditary paragangliomas and pheochromocytomas; Hereditary Paraganglioma-Pheochromocytoma Syndromes; Hereditary pheochromocytoma-paraganglioma. Identifiers: Orphanet 29072, MedGen C4274332, MONDO:0017366.

Submissions (3):

Color Diagnostics, LLC DBA Color Health
Classification: Uncertain significance for Hereditary pheochromocytoma and paraganglioma. Last evaluated: 2025-06-17. Review status: criteria provided, single submitter. Criteria: ACMG Guidelines, 2015. Collection method: clinical testing. Allele origin: germline.
Comment: This missense variant replaces proline with serine at codon 24 of the SDHD protein. Computational prediction is inconclusive regarding the impact of this variant on protein structure and function. To our knowledge, functional studies have not been reported for this variant. This variant has not been reported in individuals affected with SDHD-related disorders in the literature. This variant has not been identified in the general population by the Genome Aggregation Database (gnomAD). The available evidence is insufficient to determine the role of this variant in disease conclusively. Therefore, this variant is classified as a Variant of Uncertain Significance.

Ambry Genetics
Classification: Likely benign for Hereditary cancer-predisposing syndrome. Last evaluated: 2022-06-22. Review status: criteria provided, single submitter. Criteria: Ambry Variant Classification Scheme 2023. Collection method: clinical testing. Allele origin: germline.

Labcorp Genetics (formerly Invitae), Labcorp
Classification: Uncertain significance for Carney-Stratakis syndrome; Paragangliomas with sensorineural hearing loss; Pheochromocytoma; Cowden syndrome 3. Last evaluated: 2021-08-30. Review status: criteria provided, single submitter. Criteria: Invitae Variant Classification Sherloc (09022015). Collection method: clinical testing. Allele origin: germline.
Comment: This sequence change replaces proline with serine at codon 24 of the SDHD protein (p.Pro24Ser). The proline residue is weakly conserved and there is a moderate physicochemical difference between proline and serine. This variant is not present in population databases (ExAC no frequency). This variant has not been reported in the literature in individuals affected with SDHD-related conditions. Advanced modeling of protein sequence and biophysical properties (such as structural, functional, and spatial information, amino acid conservation, physicochemical variation, residue mobility, and thermodynamic stability) performed at Invitae indicates that this missense variant is not expected to disrupt SDHD protein function. In summary, the available evidence is currently insufficient to determine the role of this variant in disease. Therefore, it has been classified as a Variant of Uncertain Significance.

NM_003002.4(SDHD):c.70C>T (p.Pro24Ser)

Gene: SDHD (succinate dehydrogenase complex subunit D; plus strand). Cytogenetic location: 11q23.1.
Variant type: single nucleotide variant.
Coding change: c.70C>T on transcript NM_003002.4 (MANE Select); coding-DNA position 70, C replaced by T.
Protein change: p.Pro24Ser; replaces proline 24 with serine.
Molecular consequence: missense variant. On other transcripts: non-coding transcript variant (1), intron variant (1).
Genome position (GRCh38, 1-based): chr11:112,087,874, C>T. VCF-style: chr11-112087874-C-T. GRCh37 (hg19) VCF-style: chr11-111958598-C-T.
Other names: c.70C>T, p.Pro24Ser (NM_001276503.2, NM_001276506.2); c.52+915C>T (NM_001276504.2); short protein forms P24S.
Identifiers: ClinVar variation 1473419 (VCV001473419.8), dbSNP rs775986509, ClinGen allele CA382616935.